The following is an entry in ClinVar:

NM_000260.4(MYO7A):c.3430G>A (p.Glu1144Lys)

Gene: MYO7A (myosin VIIA; plus strand). Cytogenetic location: 11q13.5.
Variant type: single nucleotide variant.
Coding change: c.3430G>A on transcript NM_000260.4 (MANE Select); coding-DNA position 3430, G replaced by A.
Protein change: p.Glu1144Lys; replaces glutamic acid 1144 with lysine.
Molecular consequence: missense variant.
Genome position (GRCh38, 1-based): chr11:77,184,642, G>A. VCF-style: chr11-77184642-G-A. GRCh37 (hg19) VCF-style: chr11-76895687-G-A.
Other names: c.3430G>A, p.Glu1144Lys (NM_001127180.2); c.3397G>A, p.Glu1133Lys (NM_001369365.1); short protein forms E1144K, E1133K.
Identifiers: ClinVar variation 2828207 (VCV002828207.4), dbSNP rs2497273753, ClinGen allele CA381946005.
Genomic context (GRCh38, chr11:77,184,642, plus strand): 5'-GCCCAGGTGACCAAGAGGCTGCATGACGGGGAGTCCACAGTGCAGGGCAACAGCATGCTG[G>A]AGGACCGGCCCACCTCCAACCTGGAGAAGCTGCACTTCATCATCGGCAATGGCATCCTGC-3'
Protein context (NP_000251.3, residues 1134-1154): ESTVQGNSML[Glu1144Lys]DRPTSNLEKL

ClinVar aggregate classification (germline): Uncertain significance. Review status: criteria provided, multiple submitters, no conflicts (2 of 4 stars). 2 submissions from 2 submitters: Uncertain significance (2). Last evaluated 2024-11-11.

Submissions (2):

Labcorp Genetics (formerly Invitae), Labcorp
Classification: Uncertain significance. Last evaluated: 2024-11-11. Review status: criteria provided, single submitter. Criteria: Invitae Variant Classification Sherloc (09022015). Collection method: clinical testing. Allele origin: germline.
Comment: This sequence change replaces glutamic acid, which is acidic and polar, with lysine, which is basic and polar, at codon 1144 of the MYO7A protein (p.Glu1144Lys). This variant is not present in population databases (gnomAD no frequency). This variant has not been reported in the literature in individuals affected with MYO7A-related conditions. ClinVar contains an entry for this variant (Variation ID: 2828207). Invitae Evidence Modeling of protein sequence and biophysical properties (such as structural, functional, and spatial information, amino acid conservation, physicochemical variation, residue mobility, and thermodynamic stability) indicates that this missense variant is not expected to disrupt MYO7A protein function with a negative predictive value of 95%. In summary, the available evidence is currently insufficient to determine the role of this variant in disease. Therefore, it has been classified as a Variant of Uncertain Significance.

Blueprint Genetics
Classification: Uncertain significance. Last evaluated: 2024-01-23. Review status: criteria provided, single submitter. Criteria: ACMG Guidelines, 2015. Collection method: clinical testing. Allele origin: germline.